The following is an entry in ClinVar:

ClinVar aggregate classification (germline): Uncertain significance (1 of 4 stars; one submission).

Conditions:
Intellectual developmental disorder, autosomal dominant 1. Also called: MBD5 Haploinsufficiency; Intellectual disability, autosomal dominant 1. Identifiers: Orphanet 228402, MedGen C1969562, MONDO:0007974, OMIM 156200.

Submission:

Labcorp Genetics (formerly Invitae), Labcorp
Classification: Uncertain significance for Intellectual developmental disorder, autosomal dominant 1. Last evaluated: 2025-07-02. Review status: criteria provided, single submitter. Criteria: Invitae Variant Classification Sherloc (09022015). Collection method: clinical testing. Allele origin: germline.
Comment: This sequence change replaces alanine, which is neutral and non-polar, with valine, which is neutral and non-polar, at codon 758 of the MBD5 protein (p.Ala758Val). This variant is not present in population databases (gnomAD no frequency). This variant has not been reported in the literature in individuals affected with MBD5-related conditions. Invitae Evidence Modeling of protein sequence and biophysical properties (such as structural, functional, and spatial information, amino acid conservation, physicochemical variation, residue mobility, and thermodynamic stability) indicates that this missense variant is not expected to disrupt MBD5 protein function with a negative predictive value of 80%. In summary, the available evidence is currently insufficient to determine the role of this variant in disease. Therefore, it has been classified as a Variant of Uncertain Significance.

NM_001378120.1(MBD5):c.2273C>T (p.Ala758Val)

Gene: MBD5 (methyl-CpG binding domain protein 5; plus strand). Cytogenetic location: 2q23.1.
Variant type: single nucleotide variant.
Coding change: c.2273C>T on transcript NM_001378120.1 (MANE Select); coding-DNA position 2273, C replaced by T.
Protein change: p.Ala758Val; replaces alanine 758 with valine.
Molecular consequence: missense variant.
Genome position (GRCh38, 1-based): chr2:148,470,216, C>T. VCF-style: chr2-148470216-C-T. GRCh37 (hg19) VCF-style: chr2-149227785-C-T.
Other names: c.2273C>T, p.Ala758Val (NM_001438854.1, NM_001438855.1, NM_001438856.1 and 7 more transcripts); short protein forms A758V.
Identifiers: ClinVar variation 4743673 (VCV004743673.1).